The following is an entry in ClinVar:

ClinVar aggregate classification (germline): Pathogenic. Review status: criteria provided, single submitter (1 of 4 stars). 2 submissions from 2 submitters: Pathogenic (1). 1 of the submissions does not count toward it. Last evaluated 2023-12-09.

Conditions:
TYR-related disorder. Also called: TYR-related condition.

Submissions (2):

Labcorp Genetics (formerly Invitae), Labcorp
Classification: Pathogenic. Last evaluated: 2023-12-09. Review status: criteria provided, single submitter. Criteria: Invitae Variant Classification Sherloc (09022015). Collection method: clinical testing. Allele origin: germline.
Comment: This sequence change creates a premature translational stop signal (p.Tyr451*) in the TYR gene. While this is not anticipated to result in nonsense mediated decay, it is expected to disrupt the last 79 amino acid(s) of the TYR protein. This variant is not present in population databases (gnomAD no frequency). This variant has not been reported in the literature in individuals affected with TYR-related conditions. This variant disrupts a region of the TYR protein in which other variant(s) (p.Ala490Cysfs*20) have been determined to be pathogenic (PMID: 1642278, 1711223, 13680365, 18463683). This suggests that this is a clinically significant region of the protein, and that variants that disrupt it are likely to be disease-causing. For these reasons, this variant has been classified as Pathogenic.

PreventionGenetics, part of Exact Sciences
Classification: Pathogenic for TYR-related condition. Last evaluated: 2023-12-21. Review status: no assertion criteria provided. Collection method: clinical testing. Allele origin: germline. Not counted in ClinVar's aggregate classification.
Comment: The TYR c.1353T>G variant is predicted to result in premature protein termination (p.Tyr451*). To our knowledge, this variant has not been reported in the literature or in a large population database, indicating this variant is rare. Nonsense variants in TYR are expected to be pathogenic, and therefore we interpret c.1353T>G (p.Tyr451*) as pathogenic.

Literature cited by the submitters: PubMed 1642278 (cited by Labcorp Genetics (formerly Invitae), Labcorp); PubMed 1711223 (cited by Labcorp Genetics (formerly Invitae), Labcorp); PubMed 13680365 (cited by Labcorp Genetics (formerly Invitae), Labcorp); PubMed 18463683 (cited by Labcorp Genetics (formerly Invitae), Labcorp).

NM_000372.5(TYR):c.1353T>G (p.Tyr451Ter)

Gene: TYR (tyrosinase; plus strand). Cytogenetic location: 11q14.3.
Variant type: single nucleotide variant.
Coding change: c.1353T>G on transcript NM_000372.5 (MANE Select); coding-DNA position 1353, T replaced by G.
Protein change: p.Tyr451Ter; replaces tyrosine 451 with a stop codon.
Molecular consequence: nonsense.
Genome position (GRCh38, 1-based): chr11:89,284,941, T>G. VCF-style: chr11-89284941-T-G. GRCh37 (hg19) VCF-style: chr11-89018109-T-G.
Other names: c.1353T>G (NM_000372.4); short protein forms Y451*.
Identifiers: ClinVar variation 2819071 (VCV002819071.5), dbSNP rs2496712146, ClinGen allele CA382078171.